The following is an entry in ClinVar:

ClinVar aggregate classification (germline): Uncertain significance. Review status: criteria provided, multiple submitters, no conflicts (2 of 4 stars). 2 submissions from 2 submitters: Uncertain significance (2). Last evaluated 2026-02-01.

Conditions:
Inborn genetic diseases. Identifiers: MedGen C0950123, MeSH D030342.

Allele frequency attached by ClinVar (database versions not stated): TOPMed 0.00003.
gnomAD v4.1: 28 of 1,614,008 alleles (0.0017%); highest among the groups gnomAD compares: Non-Finnish European, 0.0023%; no homozygotes.

Submissions (2):

Labcorp Genetics (formerly Invitae), Labcorp
Classification: Uncertain significance. Last evaluated: 2026-02-01. Review status: criteria provided, single submitter. Criteria: Invitae Variant Classification Sherloc (09022015). Collection method: clinical testing. Allele origin: germline.
Comment: This sequence change replaces arginine, which is basic and polar, with proline, which is neutral and non-polar, at codon 107 of the FN1 protein (p.Arg107Pro). This variant is present in population databases (rs780865689, gnomAD 0.005%). This variant has not been reported in the literature in individuals affected with FN1-related conditions. ClinVar contains an entry for this variant (Variation ID: 1062725). An algorithm developed to predict the effect of missense changes on protein structure and function (PolyPhen-2) suggests that this variant is likely to be disruptive. In summary, the available evidence is currently insufficient to determine the role of this variant in disease. Therefore, it has been classified as a Variant of Uncertain Significance.

Ambry Genetics
Classification: Uncertain significance for Inborn genetic diseases. Last evaluated: 2022-05-04. Review status: criteria provided, single submitter. Criteria: Ambry Variant Classification Scheme 2023. Collection method: clinical testing. Allele origin: germline.

NM_212482.4(FN1):c.320G>C (p.Arg107Pro)

Genes: FN1 (fibronectin 1; minus strand), LOC126806499 (CDK7 strongly-dependent group 2 enhancer GRCh37_chr2:216298103-216299302; plus strand). Cytogenetic location: 2q35.
Variant type: single nucleotide variant.
Coding change: c.320G>C on transcript NM_212482.4 (MANE Select); coding-DNA position 320, G replaced by C.
Protein change: p.Arg107Pro; replaces arginine 107 with proline.
Molecular consequence: missense variant.
Genome position (GRCh38, 1-based): chr2:215,433,419, C>G on the plus strand (G>C on the coding strand, the complement: FN1 is on the minus strand). VCF-style: chr2-215433419-C-G. GRCh37 (hg19) VCF-style: chr2-216298142-C-G.
Other names: c.320G>C, p.Arg107Pro (NM_001306129.2, NM_001306130.2, NM_001306131.2 and 14 more transcripts); c.320G>C (NM_212482.1); short protein forms R107P.
Identifiers: ClinVar variation 1062725 (VCV001062725.10), dbSNP rs780865689, ClinGen allele CA2095606.
Genomic context (GRCh38, chr2:215,433,419, plus strand): 5'-CCGATGCAGGTACAGTCCCAGATCATGGAGTCTTTAGGACGCTCATAAGTGTCACCCACT[C>G]GGTAAGTGTTCCCAGTGTACTTGTCAAAGCAAGTCTCTTCAGCTGAGGGGAAAAGGAAAG-3'
Protein context (NP_997647.2, residues 97-117): CFDKYTGNTY[Arg107Pro]VGDTYERPKD